The following is an entry in ClinVar:

NM_005188.4(CBL):c.2062C>G (p.Pro688Ala)

Gene: CBL (Cbl proto-oncogene; plus strand). Cytogenetic location: 11q23.3.
Variant type: single nucleotide variant.
Coding change: c.2062C>G on transcript NM_005188.4 (MANE Select); coding-DNA position 2062, C replaced by G.
Protein change: p.Pro688Ala; replaces proline 688 with alanine.
Molecular consequence: missense variant.
Genome position (GRCh38, 1-based): chr11:119,296,943, C>G. VCF-style: chr11-119296943-C-G. GRCh37 (hg19) VCF-style: chr11-119167653-C-G.
Other names: short protein forms P688A.
Identifiers: ClinVar variation 4613891 (VCV004613891.1).

ClinVar aggregate classification (germline): Uncertain significance (1 of 4 stars; one submission).

Conditions:
Cardiovascular phenotype. Identifiers: MedGen CN230736.

gnomAD v4.1: 1 of 1,609,026 alleles (0.000062%); highest among the groups gnomAD compares: Non-Finnish European, 0.000085%; no homozygotes.

Submission:

Ambry Genetics
Classification: Uncertain significance for Cardiovascular phenotype. Last evaluated: 2025-12-03. Review status: criteria provided, single submitter. Criteria: Ambry Variant Classification Scheme 2023. Collection method: clinical testing. Allele origin: germline.
Comment: The p.P688A variant (also known as c.2062C>G), located in coding exon 13 of the CBL gene, results from a C to G substitution at nucleotide position 2062. The proline at codon 688 is replaced by alanine, an amino acid with highly similar properties. This amino acid position is conserved. In addition, this alteration is predicted to be tolerated by in silico analysis. Based on the available evidence, the clinical significance of this variant remains unclear.